The following is an entry in ClinVar:

ClinVar aggregate classification (germline): Benign/Likely benign. Review status: criteria provided, multiple submitters, no conflicts (2 of 4 stars). 10 submissions from 10 submitters: Benign (6); Likely benign (1). 3 of the submissions do not count toward it. Last evaluated 2026-02-04.

Conditions:
Cardiovascular phenotype. Identifiers: MedGen CN230736.
Cholestanol storage disease (CTX). Also called: CEREBRAL CHOLESTERINOSIS; Cerebrotendinous Xanthomatosis; CTX: Cerebrotendinous xanthomatosis. Identifiers: Orphanet 909, MedGen C0238052, MONDO:0008948, OMIM 213700.

Allele frequency attached by ClinVar (database versions not stated): 1000 Genomes Project 0.00919; 1000 Genomes Project 30x 0.00968; gnomAD 0.01599 and 0.01643; TOPMed 0.01604; ESP Exome Variant Server 0.01753; gnomAD exomes 0.02215 and 0.01756; ExAC 0.01776.
gnomAD v4.1: 34,651 of 1,614,122 alleles (2.1%); highest among the groups gnomAD compares: Middle Eastern, 2.8%; 460 homozygotes.

Submissions (10):

Labcorp Genetics (formerly Invitae), Labcorp
Classification: Benign for Cholestanol storage disease. Last evaluated: 2026-02-04. Review status: criteria provided, single submitter. Criteria: Invitae Variant Classification Sherloc (09022015). Collection method: clinical testing. Allele origin: germline.

Mayo Clinic Laboratories, Mayo Clinic
Classification: Benign. Last evaluated: 2023-01-25. Review status: criteria provided, single submitter. Criteria: ACMG Guidelines, 2015. Collection method: clinical testing. Allele origin: germline. Observed: 148 variant alleles.
Comment: BS1, BS2, BP4, BP7

Fulgent Genetics
Classification: Likely benign for Cholestanol storage disease. Last evaluated: 2021-09-01. Review status: criteria provided, single submitter. Criteria: ACMG Guidelines, 2015. Collection method: clinical testing. Allele origin: unknown.

Ambry Genetics
Classification: Benign for Cardiovascular phenotype. Last evaluated: 2018-12-11. Review status: criteria provided, single submitter. Criteria: Ambry Variant Classification Scheme 2023. Collection method: clinical testing. Allele origin: germline.

GeneDx
Classification: Benign. Last evaluated: 2018-05-25. Review status: criteria provided, single submitter. Criteria: GeneDx Variant Classification (06012015). Collection method: clinical testing. Allele origin: germline. Affected: yes.
Comment: This variant is considered likely benign or benign based on one or more of the following criteria: it is a conservative change, it occurs at a poorly conserved position in the protein, it is predicted to be benign by multiple in silico algorithms, and/or has population frequency not consistent with disease.

Illumina Laboratory Services, Illumina
Classification: Benign for Cholestanol storage disease. Last evaluated: 2017-04-27. Review status: criteria provided, single submitter. Criteria: ICSL Variant Classification Criteria 13 December 2019. Collection method: clinical testing. Allele origin: germline.
Comment: This variant was observed as part of a predisposition screen in an ostensibly healthy population. A literature search was performed for the gene, cDNA change, and amino acid change (where applicable). Publications were found based on this search. The evidence from the literature, in combination with allele frequency data from public databases where available, was sufficient to rule this variant out of causing disease. Therefore, this variant is classified as benign.

Breakthrough Genomics
Classification: Benign. Review status: criteria provided, single submitter. Criteria: ACMG Guidelines, 2015. Collection method: not provided. Allele origin: germline. Inheritance: Autosomal recessive inheritance. Affected: yes.

Natera, Inc.
Classification: Benign for Cerebrotendinous xanthomatosis. Last evaluated: 2020-09-16. Review status: no assertion criteria provided. Collection method: clinical testing. Allele origin: germline. Not counted in ClinVar's aggregate classification.

Clinical Genetics, Academic Medical Center
Classification: Benign. Review status: no assertion criteria provided. Collection method: clinical testing. Allele origin: germline. Affected: yes. Study: VKGL Data-share Consensus. Not counted in ClinVar's aggregate classification.

Laboratory of Diagnostic Genome Analysis, Leiden University Medical Center (LUMC)
Classification: Likely benign. Review status: no assertion criteria provided. Collection method: clinical testing. Allele origin: germline. Affected: yes. Study: VKGL Data-share Consensus. Not counted in ClinVar's aggregate classification.

Literature cited by the submitters: PubMed 24080357 (cited by Illumina Laboratory Services, Illumina); PubMed 20301583 (cited by Illumina Laboratory Services, Illumina); PubMed 24584636 (cited by Illumina Laboratory Services, Illumina).

NM_000784.4(CYP27A1):c.888A>G (p.Gln296=)

Gene: CYP27A1 (cytochrome P450 family 27 subfamily A member 1; plus strand). Cytogenetic location: 2q35.
Variant type: single nucleotide variant.
Coding change: c.888A>G on transcript NM_000784.4 (MANE Select); coding-DNA position 888, A replaced by G.
Protein change: p.Gln296=; no amino-acid change (glutamine 296 retained).
Molecular consequence: synonymous variant.
Genome position (GRCh38, 1-based): chr2:218,812,967, A>G. VCF-style: chr2-218812967-A-G. GRCh37 (hg19) VCF-style: chr2-219677690-A-G.
Other names: p.Gln296=.
Identifiers: ClinVar variation 65618 (VCV000065618.24), dbSNP rs61733619, ClinGen allele CA344939.